The following is an entry in ClinVar:

NM_022463.5(NXN):c.1251C>T (p.Ile417=)

Gene: NXN (nucleoredoxin; minus strand). Cytogenetic location: 17p13.3.
Variant type: single nucleotide variant.
Coding change: c.1251C>T on transcript NM_022463.5 (MANE Select); coding-DNA position 1251, C replaced by T.
Protein change: p.Ile417=; no amino-acid change (isoleucine 417 retained).
Molecular consequence: synonymous variant.
Genome position (GRCh38, 1-based): chr17:801,006, G>A on the plus strand (C>T on the coding strand, the complement: NXN is on the minus strand). VCF-style: chr17-801006-G-A. GRCh37 (hg19) VCF-style: chr17-704246-G-A.
Other names: c.927C>T, p.Ile309= (NM_001205319.1).
Identifiers: ClinVar variation 2647179 (VCV002647179.24), dbSNP rs1911171049, ClinGen allele CA497270360.

ClinVar aggregate classification (germline): Likely benign (1 of 4 stars; one submission).

Allele frequency attached by ClinVar (database versions not stated): gnomAD exomes below 0.00001.
gnomAD v4.1: 8 of 1,563,938 alleles (0.00051%); highest among the groups gnomAD compares: Non-Finnish European, 0.00052%; no homozygotes.

Submission:

CeGaT Center for Human Genetics Tuebingen
Classification: Likely benign. Last evaluated: 2023-10-01. Review status: criteria provided, single submitter. Criteria: CeGaT Center For Human Genetics Tuebingen Variant Classification Criteria Version 2. Collection method: clinical testing. Allele origin: germline. Affected: yes. Observed: 1 variant allele.
Comment: NXN: PM2:Supporting, BP4, BP7